The following is an entry in ClinVar:

ClinVar aggregate classification (germline): Uncertain significance (1 of 4 stars; one submission).

Submission:

Labcorp Genetics (formerly Invitae), Labcorp
Classification: Uncertain significance. Last evaluated: 2025-04-09. Review status: criteria provided, single submitter. Criteria: Invitae Variant Classification Sherloc (09022015). Collection method: clinical testing. Allele origin: germline.
Comment: This sequence change replaces alanine, which is neutral and non-polar, with proline, which is neutral and non-polar, at codon 79 of the LZTR1 protein (p.Ala79Pro). This variant is not present in population databases (gnomAD no frequency). This variant has not been reported in the literature in individuals affected with LZTR1-related conditions. Invitae Evidence Modeling of protein sequence and biophysical properties (such as structural, functional, and spatial information, amino acid conservation, physicochemical variation, residue mobility, and thermodynamic stability) indicates that this missense variant is not expected to disrupt LZTR1 protein function with a negative predictive value of 80%. In summary, the available evidence is currently insufficient to determine the role of this variant in disease. Therefore, it has been classified as a Variant of Uncertain Significance.

NM_006767.4(LZTR1):c.235G>C (p.Ala79Pro)

Gene: LZTR1 (leucine zipper like post translational regulator 1; plus strand). Cytogenetic location: 22q11.21.
Variant type: single nucleotide variant.
Coding change: c.235G>C on transcript NM_006767.4 (MANE Select); coding-DNA position 235, G replaced by C.
Protein change: p.Ala79Pro; replaces alanine 79 with proline.
Molecular consequence: missense variant.
Genome position (GRCh38, 1-based): chr22:20,983,061, G>C. VCF-style: chr22-20983061-G-C. GRCh37 (hg19) VCF-style: chr22-21337350-G-C.
Other names: short protein forms A79P.
Identifiers: ClinVar variation 4743102 (VCV004743102.1).